The following is an entry in ClinVar:

ClinVar aggregate classification (germline): Uncertain significance. Review status: criteria provided, multiple submitters, no conflicts (2 of 4 stars). 2 submissions from 2 submitters: Uncertain significance (2). Last evaluated 2025-11-23.

Conditions:
Hereditary cancer-predisposing syndrome. Also called: Hereditary Cancer Syndrome; Tumor predisposition; Neoplastic Syndromes, Hereditary; Hereditary neoplastic syndrome. Identifiers: Orphanet 140162, MedGen C0027672, MeSH D009386, MONDO:0015356.
Neuroblastoma, susceptibility to, 3. Also called: ALK-Related Neuroblastic Tumor Susceptibility. Identifiers: Orphanet 635, MedGen C2751681, MONDO:0013083, OMIM 613014.

Submissions (2):

Labcorp Genetics (formerly Invitae), Labcorp
Classification: Uncertain significance for Neuroblastoma, susceptibility to, 3. Last evaluated: 2025-11-23. Review status: criteria provided, single submitter. Criteria: Invitae Variant Classification Sherloc (09022015). Collection method: clinical testing. Allele origin: germline.
Comment: This sequence change replaces proline, which is neutral and non-polar, with serine, which is neutral and polar, at codon 1350 of the ALK protein (p.Pro1350Ser). This variant is not present in population databases (gnomAD no frequency). This variant has not been reported in the literature in individuals affected with ALK-related conditions. ClinVar contains an entry for this variant (Variation ID: 3223885). An algorithm developed to predict the effect of missense changes on protein structure and function (PolyPhen-2) suggests that this variant is likely to be disruptive. In summary, the available evidence is currently insufficient to determine the role of this variant in disease. Therefore, it has been classified as a Variant of Uncertain Significance.

Ambry Genetics
Classification: Uncertain significance for Hereditary cancer-predisposing syndrome. Last evaluated: 2024-01-19. Review status: criteria provided, single submitter. Criteria: Ambry Variant Classification Scheme 2023. Collection method: clinical testing. Allele origin: germline.
Comment: The p.P1350S variant (also known as c.4048C>T), located in coding exon 27 of the ALK gene, results from a C to T substitution at nucleotide position 4048. The proline at codon 1350 is replaced by serine, an amino acid with similar properties. This amino acid position is conserved. In addition, the in silico prediction for this alteration is inconclusive. Based on the available evidence, the clinical significance of this alteration remains unclear.

NM_004304.5(ALK):c.4048C>T (p.Pro1350Ser)

Gene: ALK (ALK receptor tyrosine kinase; minus strand). Cytogenetic location: 2p23.2.
Variant type: single nucleotide variant.
Coding change: c.4048C>T on transcript NM_004304.5 (MANE Select); coding-DNA position 4048, C replaced by T.
Protein change: p.Pro1350Ser; replaces proline 1350 with serine.
Molecular consequence: missense variant.
Genome position (GRCh38, 1-based): chr2:29,197,567, G>A on the plus strand (C>T on the coding strand, the complement: ALK is on the minus strand). VCF-style: chr2-29197567-G-A. GRCh37 (hg19) VCF-style: chr2-29420433-G-A.
Other names: c.844C>T, p.Pro282Ser (NM_001353765.2); short protein forms P1350S, P282S.
Identifiers: ClinVar variation 3223885 (VCV003223885.2), dbSNP rs1669054671, ClinGen allele CA346465901.
Genomic context (GRCh38, chr2:29,197,567, plus strand): 5'-AGTAACTAGCAGAAGTGTTCCTAAAAGAGTCATACACAGGCCCAGGGCAGTTCTTGGGTG[G>A]GTCCATCCGGCCTCCACTGGTGACAAACTCCAGAACTTCCTGGTTGCTTTTGCTGGGGTA-3'
Protein context (NP_004295.2, residues 1340-1360): EFVTSGGRMD[Pro1350Ser]PKNCPGPVYR